The following is an entry in ClinVar:

NM_007294.4(BRCA1):c.2185del (p.Glu729fs)

Gene: BRCA1 (BRCA1 DNA repair associated; minus strand). Cytogenetic location: 17q21.31.
Variant type: Deletion.
Coding change: c.2185del on transcript NM_007294.4 (MANE Select); coding-DNA position 2185, one base deleted (G; older notation c.2185delG).
Protein change: p.Glu729fs; shifts the reading frame from glutamic acid 729.
Molecular consequence: frameshift variant. On other transcripts: intron variant (137).
Genome position (GRCh38, 1-based): chr17:43,093,346, C deleted on the plus strand (G on the coding strand, the reverse complement: BRCA1 is on the minus strand). VCF-style (leftmost placement, unchanged base first): chr17-43093345-TC-T. GRCh37 (hg19) VCF-style: chr17-41245362-TC-T.
Other names: c.1972del, p.Glu658fs (NM_001407571.1, NM_001407853.1, NM_001407894.1 and 9 more transcripts); c.2185del, p.Glu729fs (NM_001407581.1, NM_001407582.1, NM_001407583.1 and 30 more transcripts); c.2182del, p.Glu728fs (NM_001407587.1, NM_001407590.1, NM_001407591.1 and 22 more transcripts); c.2176del, p.Glu726fs (NM_001407646.1, NM_001407647.1); c.2062del, p.Glu688fs (NM_001407648.1, NM_001407664.1, NM_001407665.1 and 19 more transcripts); c.2059del, p.Glu687fs (NM_001407649.1, NM_001407670.1, NM_001407671.1 and 11 more transcripts); c.2107del, p.Glu703fs (NM_001407653.1, NM_001407654.1, NM_001407655.1 and 4 more transcripts); c.2104del, p.Glu702fs (NM_001407659.1, NM_001407660.1, NM_001407661.1 and 1 more transcripts); and 41 more; short protein forms E682fs, E729fs, E433fs, E617fs, E640fs, E659fs, E662fs, E702fs.
Identifiers: ClinVar variation 422530 (VCV000422530.3), dbSNP rs1064795840, ClinGen allele CA16620439.
Genomic context (GRCh38, chr17:43,093,345, plus strand): 5'-TCTTTGGGGTCTTCAGCATTATTAGACACTTTAACTGTTTCTAGTTTCTCTTCTTTTTCT[TC>T]TCTTGGAAGGCTAGGATTGACAAATTCTTTAAGTTCACTGGTATTTGAACACTTAGTAAA-3'

ClinVar aggregate classification (germline): Pathogenic. Review status: reviewed by expert panel (3 of 4 stars). 2 submissions from 2 submitters: Pathogenic (1). 1 of the submissions does not count toward it. Last evaluated 2017-12-15.

Conditions:
Breast-ovarian cancer, familial, susceptibility to, 1 (BROVCA1). Also called: BRCA1 Hereditary Breast and Ovarian Cancer; OVARIAN CANCER, SUSCEPTIBILITY TO. Identifiers: Orphanet 145, MedGen C2676676, MONDO:0011450, OMIM 604370. Disease mechanism: loss of function.

Submissions (2):

Evidence-based Network for the Interpretation of Germline Mutant Alleles (ENIGMA)
Classification: Pathogenic for Breast-ovarian cancer, familial, susceptibility to, 1. Last evaluated: 2017-12-15. Review status: reviewed by expert panel. Criteria: ENIGMA BRCA1/2 Classification Criteria (2017-06-29). Collection method: curation. Allele origin: germline. Study: ENIGMA.
Comment: Variant allele predicted to encode a truncated non-functional protein.

GeneDx
Classification: Pathogenic. Last evaluated: 2016-10-13. Review status: criteria provided, single submitter. Criteria: GeneDx Variant Classification (06012015). Collection method: clinical testing. Allele origin: germline. Affected: yes. Not counted in ClinVar's aggregate classification.
Comment: This deletion of one nucleotide in BRCA1 is denoted c.2185delG at the cDNA level and p.Glu729LysfsX7 (E729KfsX7) at the protein level. The normal sequence, with the base that is deleted in braces, is AAGA[G]AAGA. The deletion causes a frameshift which changes a Glutamic Acid to a Lysine at codon 729, and creates a premature stop codon at position 7 of the new reading frame. Although this variant has not, to our knowledge, been reported in the literature, it is predicted to cause loss of normal protein function through either protein truncation or nonsense-mediated mRNA decay. We consider this variant to be pathogenic.